The following is an entry in ClinVar:

NM_000231.3(SGCG):c.563C>G (p.Pro188Arg)

Gene: SGCG (sarcoglycan gamma; plus strand). Cytogenetic location: 13q12.12.
Variant type: single nucleotide variant.
Coding change: c.563C>G on transcript NM_000231.3 (MANE Select); coding-DNA position 563, C replaced by G.
Protein change: p.Pro188Arg; replaces proline 188 with arginine.
Molecular consequence: missense variant.
Genome position (GRCh38, 1-based): chr13:23,295,472, C>G. VCF-style: chr13-23295472-C-G. GRCh37 (hg19) VCF-style: chr13-23869611-C-G.
Other names: c.617C>G, p.Pro206Arg (NM_001378244.1); c.563C>G, p.Pro188Arg (NM_001378245.1, NM_001378246.1); short protein forms P188R, P206R.
Identifiers: ClinVar variation 2059187 (VCV002059187.1), dbSNP rs753806016, ClinGen allele CA6909737.
Genomic context (GRCh38, chr13:23,295,472, plus strand): 5'-TAGGGCCTGAAGGGGCTCTTTTTGAACATTCAGTGGAGACACCCCTTGTCAGAGCCGACC[C>G]GTTTCAAGACCTTAGGTAAGAATTTTTGTTCAAATATTAACAACCTCTCCTGTAGAAGAC-3'
Protein context (NP_000222.2, residues 178-198): SVETPLVRAD[Pro188Arg]FQDLRLESPT

ClinVar aggregate classification (germline): Uncertain significance (1 of 4 stars; one submission).

Conditions:
Autosomal recessive limb-girdle muscular dystrophy type 2C (LGMDR5). Also called: MUSCULAR DYSTROPHY, DUCHENNE-LIKE; MUSCULAR DYSTROPHY, LIMB-GIRDLE, AUTOSOMAL RECESSIVE 5. Identifiers: Orphanet 353, MedGen C0410173, MONDO:0009677, OMIM 253700. Disease mechanism: Affects gamma-sarcoglycan and also disrupts the integrity of the entire sarcoglycan complex..

gnomAD v4.1: 52 of 1,613,216 alleles (0.0032%); highest among the groups gnomAD compares: Non-Finnish European, 0.0044%; no homozygotes.

Submission:

Labcorp Genetics (formerly Invitae), Labcorp
Classification: Uncertain significance for Autosomal recessive limb-girdle muscular dystrophy type 2C. Last evaluated: 2022-10-17. Review status: criteria provided, single submitter. Criteria: Invitae Variant Classification Sherloc (09022015). Collection method: clinical testing. Allele origin: germline.
Comment: This sequence change replaces proline, which is neutral and non-polar, with arginine, which is basic and polar, at codon 188 of the SGCG protein (p.Pro188Arg). This variant is present in population databases (rs753806016, gnomAD 0.003%). This variant has not been reported in the literature in individuals affected with SGCG-related conditions. Advanced modeling of protein sequence and biophysical properties (such as structural, functional, and spatial information, amino acid conservation, physicochemical variation, residue mobility, and thermodynamic stability) performed at Invitae indicates that this missense variant is not expected to disrupt SGCG protein function. In summary, the available evidence is currently insufficient to determine the role of this variant in disease. Therefore, it has been classified as a Variant of Uncertain Significance.